The following is an entry in ClinVar:

NM_001873.4(CPE):c.747A>G (p.Gly249=)

Gene: CPE (carboxypeptidase E; plus strand). Cytogenetic location: 4q32.3.
Variant type: single nucleotide variant.
Coding change: c.747A>G on transcript NM_001873.4 (MANE Select); coding-DNA position 747, A replaced by G.
Protein change: p.Gly249=; no amino-acid change (glycine 249 retained).
Molecular consequence: synonymous variant.
Genome position (GRCh38, 1-based): chr4:165,482,316, A>G. VCF-style: chr4-165482316-A-G. GRCh37 (hg19) VCF-style: chr4-166403468-A-G.
Identifiers: ClinVar variation 4996175 (VCV004996175.1).
Genomic context (GRCh38, chr4:165,482,316, plus strand): 5'-CAAGGCTGTCATTCATTGGATTATGGATATTCCTTTTGTGCTTTCTGCCAATCTCCATGG[A>G]GGAGACCTTGTGGCCAATTATCCATATGATGAGACGCGGAGTGGTAGGTATTCTTTCTGC-3'
Protein context (NP_001864.1, residues 239-259): IPFVLSANLH[Gly249=]GDLVANYPYD

ClinVar aggregate classification (germline): Likely benign (1 of 4 stars; one submission).

Conditions:
CPE-related disorder. Also called: CPE-related condition.

gnomAD v4.1: 5 of 1,613,986 alleles (0.00031%); highest among the groups gnomAD compares: Non-Finnish European, 0.00042%; no homozygotes.

Submission:

PreventionGenetics, part of Exact Sciences
Classification: Likely benign for CPE-related condition. Last evaluated: 2025-10-28. Review status: criteria provided, single submitter. Criteria: ACMG Guidelines, 2015. Collection method: clinical testing. Allele origin: germline.
Comment: This variant is classified as likely benign based on ACMG/AMP sequence variant interpretation guidelines (Richards et al. 2015 PMID: 25741868, with internal and published modifications).